The following is an entry in ClinVar:

NM_001297595.2(SIN3B):c.1389C>T (p.Asp463=)

Gene: SIN3B (SIN3 transcription regulator family member B; plus strand). Cytogenetic location: 19p13.11.
Variant type: single nucleotide variant.
Coding change: c.1389C>T on transcript NM_001297595.2 (MANE Select); coding-DNA position 1389, C replaced by T.
Protein change: p.Asp463=; no amino-acid change (aspartic acid 463 retained).
Molecular consequence: synonymous variant.
Genome position (GRCh38, 1-based): chr19:16,865,415, C>T. VCF-style: chr19-16865415-C-T. GRCh37 (hg19) VCF-style: chr19-16976226-C-T.
Other names: c.159C>T, p.Asp53= (NM_001297597.2); c.1485C>T, p.Asp495= (NM_015260.4).
Identifiers: ClinVar variation 3049595 (VCV003049595.2), dbSNP rs767702075, ClinGen allele CA9283198.
Genomic context (GRCh38, chr19:16,865,415, plus strand): 5'-CTGAGGCCTCTTGAGTTCCCCAGTGGCTGACCCCGTCCTGCCTTCCTTTCCATAGTTAGA[C>T]GTTGTCCTGGAGACGAACCTGGCCACAATCCGTGTGTTGGAAAGTGTGCAGAAGAAGCTG-3'
Protein context (NP_001284524.1, residues 453-473): HRCEDERFEL[Asp463=]VVLETNLATI

ClinVar aggregate classification (germline): Likely benign (0 of 4 stars; one submission).

Conditions:
SIN3B-related disorder. Also called: SIN3B-related condition.

Allele frequency attached by ClinVar (database versions not stated): gnomAD 0.00001; TOPMed 0.00001; ExAC 0.00004.
gnomAD v4.1: 68 of 1,592,962 alleles (0.0043%); highest among the groups gnomAD compares: Admixed American, 0.013%; no homozygotes.

Submission:

PreventionGenetics, part of Exact Sciences
Classification: Likely benign for SIN3B-related condition. Last evaluated: 2019-07-15. Review status: no assertion criteria provided. Collection method: clinical testing. Allele origin: germline.
Comment: This variant is classified as likely benign based on ACMG/AMP sequence variant interpretation guidelines (Richards et al. 2015 PMID: 25741868, with internal and published modifications).